The following is an entry in ClinVar:

ClinVar aggregate classification (germline): Uncertain significance (1 of 4 stars; one submission).

Allele frequency attached by ClinVar (database versions not stated): gnomAD exomes 0.00003 and 0.00006; gnomAD 0.00005 and 0.00006; TOPMed 0.00006; ExAC 0.00007; ESP Exome Variant Server 0.00015.
gnomAD v4.1: 49 of 1,596,294 alleles (0.0031%); highest among the groups gnomAD compares: African/African-American, 0.011%; no homozygotes.

Submission:

Labcorp Genetics (formerly Invitae), Labcorp
Classification: Uncertain significance. Last evaluated: 2022-11-22. Review status: criteria provided, single submitter. Criteria: Invitae Variant Classification Sherloc (09022015). Collection method: clinical testing. Allele origin: germline.
Comment: This variant has not been reported in the literature in individuals affected with PLEKHG2-related conditions. ClinVar contains an entry for this variant (Variation ID: 1411862). Algorithms developed to predict the effect of missense changes on protein structure and function (SIFT, PolyPhen-2, Align-GVGD) all suggest that this variant is likely to be disruptive. In summary, the available evidence is currently insufficient to determine the role of this variant in disease. Therefore, it has been classified as a Variant of Uncertain Significance. This variant is present in population databases (rs147484241, gnomAD 0.01%). This sequence change replaces valine, which is neutral and non-polar, with isoleucine, which is neutral and non-polar, at codon 614 of the PLEKHG2 protein (p.Val614Ile).

NM_022835.3(PLEKHG2):c.1840G>A (p.Val614Ile)

Gene: PLEKHG2 (pleckstrin homology and RhoGEF domain containing G2; plus strand). Cytogenetic location: 19q13.2.
Variant type: single nucleotide variant.
Coding change: c.1840G>A on transcript NM_022835.3 (MANE Select); coding-DNA position 1840, G replaced by A.
Protein change: p.Val614Ile; replaces valine 614 with isoleucine.
Molecular consequence: missense variant. On other transcripts: intron variant (1).
Genome position (GRCh38, 1-based): chr19:39,422,894, G>A. VCF-style: chr19-39422894-G-A. GRCh37 (hg19) VCF-style: chr19-39913534-G-A.
Other names: c.1663G>A, p.Val555Ile (NM_001351693.2); c.1677+606G>A (NM_001351694.2); short protein forms V555I, V614I.
Identifiers: ClinVar variation 1411862 (VCV001411862.5), dbSNP rs147484241, ClinGen allele CA9429659.